The following is an entry in ClinVar:

NM_000138.5(FBN1):c.179G>T (p.Gly60Val)

Gene: FBN1 (fibrillin 1; minus strand). Cytogenetic location: 15q21.1.
Variant type: single nucleotide variant.
Coding change: c.179G>T on transcript NM_000138.5 (MANE Select); coding-DNA position 179, G replaced by T.
Protein change: p.Gly60Val; replaces glycine 60 with valine.
Molecular consequence: missense variant.
Genome position (GRCh38, 1-based): chr15:48,613,078, C>A on the plus strand (G>T on the coding strand, the complement: FBN1 is on the minus strand). VCF-style: chr15-48613078-C-A. GRCh37 (hg19) VCF-style: chr15-48905275-C-A.
Other names: c.179G>T, p.Gly60Val (NM_001406716.1, NM_001406717.1); short protein forms G60V.
Identifiers: ClinVar variation 3754096 (VCV003754096.2).

ClinVar aggregate classification (germline): Uncertain significance (1 of 4 stars; one submission).

Conditions:
Marfan syndrome (MFS). Also called: MARFAN SYNDROME, TYPE I; Marfan syndrome type 1; Marfan's syndrome; Marfan syndrome, classic; FBN1-Related Marfan Syndrome. Identifiers: Orphanet 284963, Orphanet 558, MedGen C0024796, MONDO:0007947, OMIM 154700.
Familial thoracic aortic aneurysm and aortic dissection (TAAD). Also called: Thoracic aortic aneurysms and dissections. Identifiers: Orphanet 91387, MedGen C4707243, MONDO:0019625.

Submission:

Labcorp Genetics (formerly Invitae), Labcorp
Classification: Uncertain significance for Marfan syndrome; Familial thoracic aortic aneurysm and aortic dissection. Last evaluated: 2024-05-12. Review status: criteria provided, single submitter. Criteria: Invitae Variant Classification Sherloc (09022015). Collection method: clinical testing. Allele origin: germline.
Comment: This sequence change replaces glycine, which is neutral and non-polar, with valine, which is neutral and non-polar, at codon 60 of the FBN1 protein (p.Gly60Val). The frequency data for this variant in the population databases is considered unreliable, as metrics indicate poor data quality at this position in the gnomAD database. This variant has not been reported in the literature in individuals affected with FBN1-related conditions. Advanced modeling of protein sequence and biophysical properties (such as structural, functional, and spatial information, amino acid conservation, physicochemical variation, residue mobility, and thermodynamic stability) performed at Invitae indicates that this missense variant is expected to disrupt FBN1 protein function with a positive predictive value of 95%. In summary, the available evidence is currently insufficient to determine the role of this variant in disease. Therefore, it has been classified as a Variant of Uncertain Significance.